The following is an entry in ClinVar:

ClinVar aggregate classification (germline): Pathogenic (1 of 4 stars; one submission).

Conditions:
Niemann-Pick disease, type C1. Also called: NIEMANN-PICK DISEASE, VARIANT TYPE C1; NEUROVISCERAL STORAGE DISEASE WITH VERTICAL SUPRANUCLEAR OPHTHALMOPLEGIA; NIEMANN-PICK DISEASE WITH CHOLESTEROL ESTERIFICATION BLOCK; NIEMANN-PICK DISEASE WITHOUT SPHINGOMYELINASE DEFICIENCY; NIEMANN-PICK DISEASE, CHRONIC NEURONOPATHIC FORM. Identifiers: Orphanet 646, MedGen C3179455, MONDO:0009757, OMIM 257220.

Submission:

Labcorp Genetics (formerly Invitae), Labcorp
Classification: Pathogenic for Niemann-Pick disease, type C1. Last evaluated: 2023-12-11. Review status: criteria provided, single submitter. Criteria: Invitae Variant Classification Sherloc (09022015). Collection method: clinical testing. Allele origin: germline.
Comment: This sequence change creates a premature translational stop signal (p.Tyr394*) in the NPC1 gene. It is expected to result in an absent or disrupted protein product. Loss-of-function variants in NPC1 are known to be pathogenic (PMID: 9211850). This variant is not present in population databases (gnomAD no frequency). This variant has not been reported in the literature in individuals affected with NPC1-related conditions. For these reasons, this variant has been classified as Pathogenic.

Literature cited by the submitters: PubMed 9211850.

NM_000271.5(NPC1):c.1182C>G (p.Tyr394Ter)

Gene: NPC1 (NPC intracellular cholesterol transporter 1; minus strand). Cytogenetic location: 18q11.2.
Variant type: single nucleotide variant.
Coding change: c.1182C>G on transcript NM_000271.5 (MANE Select); coding-DNA position 1182, C replaced by G.
Protein change: p.Tyr394Ter; replaces tyrosine 394 with a stop codon.
Molecular consequence: nonsense.
Genome position (GRCh38, 1-based): chr18:23,556,387, G>C on the plus strand (C>G on the coding strand, the complement: NPC1 is on the minus strand). VCF-style: chr18-23556387-G-C. GRCh37 (hg19) VCF-style: chr18-21136351-G-C.
Other names: short protein forms Y394*.
Identifiers: ClinVar variation 2859962 (VCV002859962.3), dbSNP rs2511283263, ClinGen allele CA401777855.